The following continues an entry in ClinVar:

NM_000070.3(CAPN3):c.1622G>A (p.Arg541Gln)

Gene: CAPN3. ClinVar aggregate classification (germline): Pathogenic. Pathogenic (1).

Submissions 9 to 13 of 13:

Breakthrough Genomics
Classification: Likely pathogenic for Autosomal recessive limb-girdle muscular dystrophy type 2A. Last evaluated: 2021-01-23. Review status: criteria provided, single submitter. Criteria: ACMG Guidelines, 2015. Collection method: clinical testing. Allele origin: germline. Affected: yes. Not counted in ClinVar's aggregate classification.
Comment: This variant was previously reported in compound heterozygous and in homozygous state in multiple unrelated families with patients diagnosed with LGMD type 2A and was classified as a causative mutation [PMID: 16411092, 10330340, 16141003]. In addition, a different missense substitution at this codon p. Arg541Trp has been previously reported in families with LGMD type 2A patients of different ethnic origin [PMID: 16141003, 14981715] and the same has been reported as ‘pathogenic’ (RCV000762951.1) in ClinVar database in the context of Limb-girdle muscular dystrophy, type 2A. Functional studies using minigene assay revealed that the cells harboring mutant p. Arg541Gln significantly showed presence of abnormally spliced transcripts, however the normal transcript expression seemed to be comparable to that of control suggesting its mild impact on splicing and the variant was classified as ‘pathogenic’ by ACMG post minigene assays [PMID: 32668095].

Broad Center for Mendelian Genomics, Broad Institute of MIT and Harvard
Classification: Likely pathogenic for Autosomal recessive limb-girdle muscular dystrophy type 2A. Last evaluated: 2018-12-03. Review status: criteria provided, single submitter. Criteria: ACMG Guidelines, 2015. Collection method: research. Allele origin: germline. Inheritance: Autosomal recessive inheritance. Affected: yes. Not counted in ClinVar's aggregate classification.
Comment: This variant has been identified in 0.001218% (3/246206) of chromosomes by the Genome Aggregation Database (gnomAD; dbSNP rs398123143). Although this variant has been seen in the general population, its frequency is low enough to be consistent with a recessive carrier frequency. Computational prediction tools and conservation analyses suggest that this variant may impact the protein, though this information is not predictive enough to determine pathogenicity. The p.Arg541Gln variant in CAPN3 has been reported in 8 individuals with LGMD (PMID: 16141003, 10330340). The presence of this variant in combination with a reported pathogenic variant in our study and in 7 additional individuals with LGMD reported by the literature increases the likelihood that the p.Arg541Gln variant is pathogenic. In summary, although additional studies are required to fully establish its clinical significance, the p.Arg541Gln variant is likely pathogenic. ACMG/AMP Criteria applied: PM2, PP3, PM3_Strong (Richards 2015).

Eurofins Ntd Llc (ga)
Classification: Likely pathogenic. Last evaluated: 2015-09-18. Review status: criteria provided, single submitter. Criteria: EGL Classification Definitions. Collection method: clinical testing. Allele origin: germline. Observed: 3 variant alleles, 3 heterozygotes. Not counted in ClinVar's aggregate classification.

Clinical Genetics Laboratory, University Hospital Schleswig-Holstein
Classification: Likely pathogenic for Autosomal recessive limb-girdle muscular dystrophy type 2A. Last evaluated: 2021-08-18. Review status: no assertion criteria provided. Collection method: clinical testing. Allele origin: germline. Affected: yes. Not counted in ClinVar's aggregate classification.

Counsyl
Classification: Pathogenic for Autosomal recessive limb-girdle muscular dystrophy type 2A. Last evaluated: 2017-05-04. Review status: no assertion criteria provided. Collection method: clinical testing. Allele origin: unknown. Not counted in ClinVar's aggregate classification.

Literature cited by the submitters: PubMed 16141003 (cited by 4 submitters); PubMed 30919934 (cited by 3 submitters); PubMed 14981715 (cited by 3billion); PubMed 10330340 (cited by 4 submitters); PubMed 35169782 (cited by Natera, Inc.); PubMed 16411092 (cited by 3 submitters); PubMed 32140910 (cited by Natera, Inc.); PubMed 16100770 (cited by Labcorp Genetics (formerly Invitae), Labcorp); PubMed 18854869 (cited by Labcorp Genetics (formerly Invitae), Labcorp); PubMed 19556129 (cited by Labcorp Genetics (formerly Invitae), Labcorp); PubMed 32668095 (cited by Athena Diagnostics); PubMed 31555977 (cited by Athena Diagnostics).